The following is an entry in ClinVar:

ClinVar aggregate classification (germline): Uncertain significance. Review status: criteria provided, multiple submitters, no conflicts (2 of 4 stars). 2 submissions from 2 submitters: Uncertain significance (2). Last evaluated 2026-01-06.

Conditions:
Rhabdoid tumor predisposition syndrome 2 (RTPS2). Identifiers: Orphanet 231108, Orphanet 69077, MedGen C2750074, MONDO:0013224, OMIM 613325.
Hereditary cancer-predisposing syndrome. Also called: Neoplastic Syndromes, Hereditary; Hereditary neoplastic syndrome; Tumor predisposition; Hereditary Cancer Syndrome. Identifiers: Orphanet 140162, MedGen C0027672, MeSH D009386, MONDO:0015356.

Submissions (2):

Ambry Genetics
Classification: Uncertain significance for Hereditary cancer-predisposing syndrome. Last evaluated: 2026-01-06. Review status: criteria provided, single submitter. Criteria: Ambry Variant Classification Scheme 2023. Collection method: clinical testing. Allele origin: germline.
Comment: The p.D823E variant (also known as c.2469C>G), located in coding exon 16 of the SMARCA4 gene, results from a C to G substitution at nucleotide position 2469. The aspartic acid at codon 823 is replaced by glutamic acid, an amino acid with highly similar properties. This amino acid position is highly conserved in available vertebrate species. In addition, the in silico prediction for this alteration is inconclusive. Based on the available evidence, the clinical significance of this variant remains unclear.

Labcorp Genetics (formerly Invitae), Labcorp
Classification: Uncertain significance for Rhabdoid tumor predisposition syndrome 2. Last evaluated: 2025-11-20. Review status: criteria provided, single submitter. Criteria: Invitae Variant Classification Sherloc (09022015). Collection method: clinical testing. Allele origin: germline.
Comment: This sequence change replaces aspartic acid, which is acidic and polar, with glutamic acid, which is acidic and polar, at codon 823 of the SMARCA4 protein (p.Asp823Glu). This variant is not present in population databases (gnomAD no frequency). This variant has not been reported in the literature in individuals affected with SMARCA4-related conditions. ClinVar contains an entry for this variant (Variation ID: 566115). Invitae Evidence Modeling of protein sequence and biophysical properties (such as structural, functional, and spatial information, amino acid conservation, physicochemical variation, residue mobility, and thermodynamic stability) indicates that this missense variant is not expected to disrupt SMARCA4 protein function with a negative predictive value of 95%. In summary, the available evidence is currently insufficient to determine the role of this variant in disease. Therefore, it has been classified as a Variant of Uncertain Significance.

NM_003072.5(SMARCA4):c.2469C>G (p.Asp823Glu)

Gene: SMARCA4 (SWI/SNF related BAF chromatin remodeling complex subunit ATPase 4; plus strand). Cytogenetic location: 19p13.2.
Variant type: single nucleotide variant.
Coding change: c.2469C>G on transcript NM_003072.5 (MANE Select); coding-DNA position 2469, C replaced by G.
Protein change: p.Asp823Glu; replaces aspartic acid 823 with glutamic acid.
Molecular consequence: missense variant. On other transcripts: non-coding transcript variant (1).
Genome position (GRCh38, 1-based): chr19:11,018,987, C>G. VCF-style: chr19-11018987-C-G. GRCh37 (hg19) VCF-style: chr19-11129663-C-G.
Other names: c.2469C>G, p.Asp823Glu (NM_001128844.3, NM_001128845.2, NM_001128846.2 and 5 more transcripts); short protein forms D823E.
Identifiers: ClinVar variation 566115 (VCV000566115.9), dbSNP rs1568481575, ClinGen allele CA404053613.